The following is an entry in ClinVar:

NM_013275.6(ANKRD11):c.5305A>G (p.Ser1769Gly)

Gene: ANKRD11 (ankyrin repeat domain containing 11; minus strand). Cytogenetic location: 16q24.3.
Variant type: single nucleotide variant.
Coding change: c.5305A>G on transcript NM_013275.6 (MANE Select); coding-DNA position 5305, A replaced by G.
Protein change: p.Ser1769Gly; replaces serine 1769 with glycine.
Molecular consequence: missense variant.
Genome position (GRCh38, 1-based): chr16:89,281,237, T>C on the plus strand (A>G on the coding strand, the complement: ANKRD11 is on the minus strand). VCF-style: chr16-89281237-T-C. GRCh37 (hg19) VCF-style: chr16-89347645-T-C.
Other names: c.5305A>G, p.Ser1769Gly (NM_001256182.2, NM_001256183.2); short protein forms S1769G.
Identifiers: ClinVar variation 2446250 (VCV002446250.1), dbSNP rs772853156, ClinGen allele CA8241882.

ClinVar aggregate classification (germline): Likely benign (1 of 4 stars; one submission).

Allele frequency attached by ClinVar (database versions not stated): gnomAD exomes 0.00001; ExAC 0.00002.
gnomAD v4.1: 14 of 1,614,142 alleles (0.00087%); highest among the groups gnomAD compares: East Asian, 0.0067%; no homozygotes.

Submission:

GeneDx
Classification: Likely benign. Last evaluated: 2021-02-25. Review status: criteria provided, single submitter. Criteria: GeneDx Variant Classification Process June 2021. Collection method: clinical testing. Allele origin: germline. Affected: yes.
Comment: See Variant Classification Assertion Criteria.